The following is an entry in ClinVar:

NM_000337.6(SGCD):c.760A>G (p.Thr254Ala)

Gene: SGCD (sarcoglycan delta; plus strand). Cytogenetic location: 5q33.3.
Variant type: single nucleotide variant.
Coding change: c.760A>G on transcript NM_000337.6 (MANE Select); coding-DNA position 760, A replaced by G.
Protein change: p.Thr254Ala; replaces threonine 254 with alanine.
Molecular consequence: missense variant.
Genome position (GRCh38, 1-based): chr5:156,759,277, A>G. VCF-style: chr5-156759277-A-G. GRCh37 (hg19) VCF-style: chr5-156186288-A-G.
Other names: c.757A>G, p.Thr253Ala (NM_001128209.2); short protein forms T253A, T254A.
Identifiers: ClinVar variation 2104723 (VCV002104723.1), dbSNP rs2480210614, ClinGen allele CA362009387.
Genomic context (GRCh38, chr5:156,759,277, plus strand): 5'-ATTAAGTTAGATGCTGCGAAAATCAGGCTACCTAGACTGCCTCATGGATCCTACACGCCT[A>G]CAGGAACGAGGCAGAAGGTCTTCGAGATCTGCGTCTGCGCCAATGGGAGATTATTCCTGT-3'
Protein context (NP_000328.2, residues 244-264): PRLPHGSYTP[Thr254Ala]GTRQKVFEIC

ClinVar aggregate classification (germline): Uncertain significance (1 of 4 stars; one submission).

Conditions:
Autosomal recessive limb-girdle muscular dystrophy type 2F (LGMDR6). Also called: MUSCULAR DYSTROPHY, LIMB-GIRDLE, AUTOSOMAL RECESSIVE 6; Muscular dystrophy limb-girdle with delta-sarcoglyan deficiency. Identifiers: Orphanet 219, MedGen C1832525, MONDO:0011028, OMIM 601287. Disease mechanism: Affects gamma-sarcoglycan and also disrupts the integrity of the entire sarcoglycan complex..

Allele frequency attached by ClinVar (database versions not stated): gnomAD exomes below 0.00001.
gnomAD v4.1: 2 of 1,613,334 alleles (0.00012%); no homozygotes.

Submission:

Labcorp Genetics (formerly Invitae), Labcorp
Classification: Uncertain significance for Autosomal recessive limb-girdle muscular dystrophy type 2F. Last evaluated: 2022-06-13. Review status: criteria provided, single submitter. Criteria: Invitae Variant Classification Sherloc (09022015). Collection method: clinical testing. Allele origin: germline.
Comment: This sequence change replaces threonine, which is neutral and polar, with alanine, which is neutral and non-polar, at codon 254 of the SGCD protein (p.Thr254Ala). This variant is not present in population databases (gnomAD no frequency). This variant has not been reported in the literature in individuals affected with SGCD-related conditions. Algorithms developed to predict the effect of missense changes on protein structure and function output the following: SIFT: "Tolerated"; PolyPhen-2: "Benign"; Align-GVGD: "Class C0". The alanine amino acid residue is found in multiple mammalian species, which suggests that this missense change does not adversely affect protein function. In summary, the available evidence is currently insufficient to determine the role of this variant in disease. Therefore, it has been classified as a Variant of Uncertain Significance.